The following is an entry in ClinVar:

NM_014384.3(ACAD8):c.494G>T (p.Ser165Ile)

Gene: ACAD8 (acyl-CoA dehydrogenase family member 8; plus strand). Cytogenetic location: 11q25.
Variant type: single nucleotide variant.
Coding change: c.494G>T on transcript NM_014384.3 (MANE Select); coding-DNA position 494, G replaced by T.
Protein change: p.Ser165Ile; replaces serine 165 with isoleucine.
Molecular consequence: missense variant.
Genome position (GRCh38, 1-based): chr11:134,259,011, G>T. VCF-style: chr11-134259011-G-T. GRCh37 (hg19) VCF-style: chr11-134128905-G-T.
Other names: short protein forms S165I.
Identifiers: ClinVar variation 2816456 (VCV002816456.3), dbSNP rs988461205, ClinGen allele CA383515844.
Genomic context (GRCh38, chr11:134,259,011, plus strand): 5'-CCCTCGACCTCACTGACTTTCTCACCTTCTCTCTGCTGCCTTTTGATCCCTCCTCAGGAA[G>T]TGGGAGTGATGCTGCCTCTCTTCTGACCTCCGCTAAGAAACAGGGAGATCATTACATCCT-3'
Protein context (NP_055199.1, residues 155-175): FASYCLTEPG[Ser165Ile]GSDAASLLTS

ClinVar aggregate classification (germline): Uncertain significance (1 of 4 stars; one submission).

Conditions:
Deficiency of isobutyryl-CoA dehydrogenase. Also called: ACYL-CoA DEHYDROGENASE FAMILY, MEMBER 8, DEFICIENCY OF; ACAD8 DEFICIENCY; IBD DEFICIENCY. Identifiers: Orphanet 79159, MedGen C1969809, MONDO:0012648, OMIM 611283.

gnomAD v4.1: 1 of 1,613,932 alleles (0.000062%); highest among the groups gnomAD compares: Non-Finnish European, 0.000085%; no homozygotes.

Submission:

Labcorp Genetics (formerly Invitae), Labcorp
Classification: Uncertain significance for Deficiency of isobutyryl-CoA dehydrogenase. Last evaluated: 2022-11-24. Review status: criteria provided, single submitter. Criteria: Invitae Variant Classification Sherloc (09022015). Collection method: clinical testing. Allele origin: germline.
Comment: In summary, the available evidence is currently insufficient to determine the role of this variant in disease. Therefore, it has been classified as a Variant of Uncertain Significance. Advanced modeling of protein sequence and biophysical properties (such as structural, functional, and spatial information, amino acid conservation, physicochemical variation, residue mobility, and thermodynamic stability) performed at Invitae indicates that this missense variant is expected to disrupt ACAD8 protein function. This variant has not been reported in the literature in individuals affected with ACAD8-related conditions. This variant is not present in population databases (gnomAD no frequency). This sequence change replaces serine, which is neutral and polar, with isoleucine, which is neutral and non-polar, at codon 165 of the ACAD8 protein (p.Ser165Ile).